The following is an entry in ClinVar:

NM_003052.5(SLC34A1):c.1416+1G>A

Gene: SLC34A1 (solute carrier family 34 member 1; plus strand). Cytogenetic location: 5q35.3.
Variant type: single nucleotide variant.
Coding change: c.1416+1G>A on transcript NM_003052.5 (MANE Select); the canonical splice donor site of the intron after coding-DNA position 1416, G replaced by A.
Molecular consequence: splice donor variant.
Genome position (GRCh38, 1-based): chr5:177,397,075, G>A. VCF-style: chr5-177397075-G-A. GRCh37 (hg19) VCF-style: chr5-176824076-G-A.
Identifiers: ClinVar variation 2979280 (VCV002979280.3), dbSNP rs1762993926, ClinGen allele CA362315394.

ClinVar aggregate classification (germline): Uncertain significance (1 of 4 stars; one submission).

Allele frequency attached by ClinVar (database versions not stated): gnomAD exomes below 0.00001; gnomAD 0.00001.
gnomAD v4.1: 3 of 1,612,804 alleles (0.00019%); highest among the groups gnomAD compares: Admixed American, 0.0033%; no homozygotes.

Submission:

Labcorp Genetics (formerly Invitae), Labcorp
Classification: Uncertain significance. Last evaluated: 2023-04-18. Review status: criteria provided, single submitter. Criteria: Invitae Variant Classification Sherloc (09022015). Collection method: clinical testing. Allele origin: germline.
Comment: In summary, the available evidence is currently insufficient to determine the role of this variant in disease. Therefore, it has been classified as a Variant of Uncertain Significance. This variant disrupts a region of the SLC34A1 protein in which other variant(s) (p.Thr575Ile) have been observed in individuals with SLC34A1-related conditions (PMID: 28893421; Invitae). This suggests that this is a clinically significant region of the protein, and that variants that disrupt it are likely to be disease-causing. Variants that disrupt the consensus splice site are a relatively common cause of aberrant splicing (PMID: 17576681, 9536098). Algorithms developed to predict the effect of sequence changes on RNA splicing suggest that this variant may disrupt the consensus splice site. This variant has not been reported in the literature in individuals affected with SLC34A1-related conditions. This variant is not present in population databases (gnomAD no frequency). This sequence change affects a donor splice site in intron 12 of the SLC34A1 gene. While this variant is not anticipated to result in nonsense mediated decay, it likely alters RNA splicing and results in a disrupted protein product.

Literature cited by the submitters: PubMed 28893421; PubMed 17576681; PubMed 9536098.